The following is an entry in ClinVar:

NM_002693.3(POLG):c.3409G>A (p.Val1137Ile)

Gene: POLG (DNA polymerase gamma, catalytic subunit; minus strand). Cytogenetic location: 15q26.1.
Variant type: single nucleotide variant.
Coding change: c.3409G>A on transcript NM_002693.3 (MANE Select); coding-DNA position 3409, G replaced by A.
Protein change: p.Val1137Ile; replaces valine 1137 with isoleucine.
Molecular consequence: missense variant.
Genome position (GRCh38, 1-based): chr15:89,318,614, C>T on the plus strand (G>A on the coding strand, the complement: POLG is on the minus strand). VCF-style: chr15-89318614-C-T. GRCh37 (hg19) VCF-style: chr15-89861845-C-T.
Other names: c.3409G>A, p.Val1137Ile (NM_001126131.2); short protein forms V1137I.
Identifiers: ClinVar variation 1509566 (VCV001509566.6), dbSNP rs2152058666, ClinGen allele CA393749787.

ClinVar aggregate classification (germline): Uncertain significance (1 of 4 stars; one submission).

Conditions:
Progressive sclerosing poliodystrophy (MTDPS4A). Also called: ALPERS PROGRESSIVE INFANTILE POLIODYSTROPHY; NEURONAL DEGENERATION OF CHILDHOOD WITH LIVER DISEASE, PROGRESSIVE; Mitochondrial DNA Depletion Syndrome 4A; Alpers-Huttenlocher Syndrome (AHS); Alpers Syndrome; ALPERS DIFFUSE DEGENERATION OF CEREBRAL GRAY MATTER WITH HEPATIC CIRRHOSIS. Identifiers: Orphanet 726, MedGen C0205710, MONDO:0008758, OMIM 203700.

Submission:

Labcorp Genetics (formerly Invitae), Labcorp
Classification: Uncertain significance for Progressive sclerosing poliodystrophy. Last evaluated: 2021-08-09. Review status: criteria provided, single submitter. Criteria: Invitae Variant Classification Sherloc (09022015). Collection method: clinical testing. Allele origin: germline.
Comment: This sequence change replaces valine with isoleucine at codon 1137 of the POLG protein (p.Val1137Ile). The valine residue is highly conserved and there is a small physicochemical difference between valine and isoleucine. This variant is not present in population databases (ExAC no frequency). This variant has not been reported in the literature in individuals affected with POLG-related conditions. Algorithms developed to predict the effect of missense changes on protein structure and function are either unavailable or do not agree on the potential impact of this missense change (SIFT: "Tolerated"; PolyPhen-2: "Probably Damaging"; Align-GVGD: "Class C0"). In summary, the available evidence is currently insufficient to determine the role of this variant in disease. Therefore, it has been classified as a Variant of Uncertain Significance.